The following is an entry in ClinVar:

NM_000535.7(PMS2):c.903+5T>C

Gene: PMS2 (PMS1 homolog 2, mismatch repair system component; minus strand). Cytogenetic location: 7p22.1.
Variant type: single nucleotide variant.
Coding change: c.903+5T>C on transcript NM_000535.7 (MANE Select); 5 bases into the intron after coding-DNA position 903, T replaced by C.
Molecular consequence: intron variant.
Genome position (GRCh38, 1-based): chr7:5,995,529, A>G on the plus strand (T>C on the coding strand, the complement: PMS2 is on the minus strand). VCF-style: chr7-5995529-A-G. GRCh37 (hg19) VCF-style: chr7-6035160-A-G.
Other names: c.585+5T>C (NM_001322008.2, NM_001322007.2); c.498+5T>C (NM_001322010.2, NM_001322004.2, NM_001322003.2 and 2 more transcripts); c.330+5T>C (NM_001322013.2); c.-31+5T>C (NM_001322012.2, NM_001322011.2); c.594+5T>C (NM_001322015.2); c.903+5T>C (NM_001322006.2, NM_001322014.2).
Identifiers: ClinVar variation 849326 (VCV000849326.9), dbSNP rs1419635604, ClinGen allele CA916080366.

ClinVar aggregate classification (germline): Uncertain significance (1 of 4 stars; one submission).

Conditions:
Hereditary nonpolyposis colorectal neoplasms. Identifiers: MedGen C0009405, MeSH D003123.

Submission:

Labcorp Genetics (formerly Invitae), Labcorp
Classification: Uncertain significance for Hereditary nonpolyposis colorectal neoplasms. Last evaluated: 2025-10-04. Review status: criteria provided, single submitter. Criteria: Invitae Variant Classification Sherloc (09022015). Collection method: clinical testing. Allele origin: germline.
Comment: This sequence change falls in intron 8 of the PMS2 gene. It does not directly change the encoded amino acid sequence of the PMS2 protein. It affects a nucleotide within the consensus splice site. This variant is not present in population databases (gnomAD no frequency). This variant has not been reported in the literature in individuals affected with PMS2-related conditions. ClinVar contains an entry for this variant (Variation ID: 849326). Variants that disrupt the consensus splice site are a relatively common cause of aberrant splicing (PMID: 17576681, 9536098). Algorithms developed to predict the effect of sequence changes on RNA splicing suggest that this variant is not likely to affect RNA splicing. In summary, the available evidence is currently insufficient to determine the role of this variant in disease. Therefore, it has been classified as a Variant of Uncertain Significance.

Literature cited by the submitters: PubMed 17576681; PubMed 9536098.